The following is an entry in ClinVar:

ClinVar aggregate classification (germline): Pathogenic. Review status: criteria provided, multiple submitters, no conflicts (2 of 4 stars). 3 submissions from 3 submitters: Pathogenic (3). Last evaluated 2025-02-25.

Conditions:
Hereditary nonpolyposis colorectal neoplasms. Identifiers: MedGen C0009405, MeSH D003123.
Hereditary cancer-predisposing syndrome. Also called: Tumor predisposition; Neoplastic Syndromes, Hereditary; Hereditary Cancer Syndrome; Hereditary neoplastic syndrome. Identifiers: Orphanet 140162, MedGen C0027672, MeSH D009386, MONDO:0015356.
Lynch syndrome 5 (LYNCH5). Also called: Colorectal cancer, hereditary nonpolyposis, type 5; Hereditary non-polyposis colorectal cancer, type 5. Identifiers: Orphanet 144, MedGen C1833477, MONDO:0013710, OMIM 614350. Disease mechanism: loss of function.

Submissions (3):

Labcorp Genetics (formerly Invitae), Labcorp
Classification: Pathogenic for Hereditary nonpolyposis colorectal neoplasms. Last evaluated: 2025-02-25. Review status: criteria provided, single submitter. Criteria: Invitae Variant Classification Sherloc (09022015). Collection method: clinical testing. Allele origin: germline.
Comment: This sequence change creates a premature translational stop signal (p.Cys1053Tyrfs*12) in the MSH6 gene. It is expected to result in an absent or disrupted protein product. Loss-of-function variants in MSH6 are known to be pathogenic (PMID: 18269114, 24362816). This variant is not present in population databases (gnomAD no frequency). This variant has not been reported in the literature in individuals affected with MSH6-related conditions. For these reasons, this variant has been classified as Pathogenic.

Genetics and Molecular Pathology, SA Pathology
Classification: Pathogenic for Lynch syndrome 5. Last evaluated: 2022-05-26. Review status: criteria provided, single submitter. Criteria: ACMG Guidelines, 2015. Collection method: clinical testing. Allele origin: germline. Inheritance: Autosomal dominant inheritance. Affected: yes.

Ambry Genetics
Classification: Pathogenic for Hereditary cancer-predisposing syndrome. Last evaluated: 2021-10-17. Review status: criteria provided, single submitter. Criteria: Ambry Variant Classification Scheme 2023. Collection method: clinical testing. Allele origin: germline.
Comment: The c.3158_3159delGT pathogenic mutation, located in coding exon 4 of the MSH6 gene, results from a deletion of two nucleotides at nucleotide positions 3158 to 3159, causing a translational frameshift with a predicted alternate stop codon (p.C1053Yfs*12). This alteration has been observed in at least one individual with a personal and/or family history that is consistent with Lynch syndrome (Ambry internal data). This variant is considered to be rare based on population cohorts in the Genome Aggregation Database (gnomAD). In addition to the clinical data available, this alteration is expected to result in loss of function by premature protein truncation or nonsense-mediated mRNA decay. As such, this alteration is interpreted as a disease-causing mutation.

Literature cited by the submitters: PubMed 18269114 (cited by Labcorp Genetics (formerly Invitae), Labcorp); PubMed 24362816 (cited by Labcorp Genetics (formerly Invitae), Labcorp).

NM_000179.3(MSH6):c.3158_3159del (p.Cys1053fs)

Gene: MSH6 (mutS homolog 6; plus strand). Cytogenetic location: 2p16.3.
Variant type: Microsatellite.
Coding change: c.3158_3159del on transcript NM_000179.3 (MANE Select); coding-DNA positions 3158 to 3159, 2 bases deleted (GT; older notation c.3158_3159delGT).
Protein change: p.Cys1053fs; shifts the reading frame from cysteine 1053.
Molecular consequence: frameshift variant.
Genome position (GRCh38, 1-based): chr2:47,801,141-47,801,142, GT deleted; deleting any 2 consecutive bases within chr2:47,801,139-47,801,142 gives the same sequence; the c. name uses the placement nearest the transcript's 3' end. VCF-style (leftmost placement, unchanged base first): chr2-47801138-AGT-A. GRCh37 (hg19) VCF-style: chr2-48028277-AGT-A.
Other names: c.3158_3159delGT (NM_000179.3); c.2768_2769del, p.Cys923fs (NM_001281492.2); c.2252_2253del, p.Cys751fs (NM_001281493.2, NM_001281494.2); short protein forms C1053fs, C751fs, C923fs.
Identifiers: ClinVar variation 1074496 (VCV001074496.14), dbSNP rs2104443138, ClinGen allele CA2573106135.